The following is an entry in ClinVar:

ClinVar aggregate classification (germline): Uncertain significance (1 of 4 stars; one submission).

Submission:

GeneDx
Classification: Uncertain significance. Last evaluated: 2025-06-01. Review status: criteria provided, single submitter. Criteria: GeneDx Variant Classification Process June 2021. Collection method: clinical testing. Allele origin: germline. Affected: yes.
Comment: Not observed at significant frequency in large population cohorts (gnomAD); In silico analysis supports that this missense variant has a deleterious effect on protein structure/function; Has not been previously published as pathogenic or benign to our knowledge

NM_003128.3(SPTBN1):c.2899A>T (p.Thr967Ser)

Gene: SPTBN1 (spectrin beta, non-erythrocytic 1; plus strand). Cytogenetic location: 2p16.2.
Variant type: single nucleotide variant.
Coding change: c.2899A>T on transcript NM_003128.3 (MANE Select); coding-DNA position 2899, A replaced by T.
Protein change: p.Thr967Ser; replaces threonine 967 with serine.
Molecular consequence: missense variant.
Genome position (GRCh38, 1-based): chr2:54,630,946, A>T. VCF-style: chr2-54630946-A-T. GRCh37 (hg19) VCF-style: chr2-54858083-A-T.
Other names: c.2860A>T, p.Thr954Ser (NM_178313.3); short protein forms T954S, T967S.
Identifiers: ClinVar variation 4532665 (VCV004532665.1).